The following is an entry in ClinVar:

NM_001347.4(DGKQ):c.1465G>A (p.Val489Met)

Gene: DGKQ (diacylglycerol kinase theta; minus strand). Cytogenetic location: 4p16.3.
Variant type: single nucleotide variant.
Coding change: c.1465G>A on transcript NM_001347.4 (MANE Select); coding-DNA position 1465, G replaced by A.
Protein change: p.Val489Met; replaces valine 489 with methionine.
Molecular consequence: missense variant.
Genome position (GRCh38, 1-based): chr4:966,042, C>T on the plus strand (G>A on the coding strand, the complement: DGKQ is on the minus strand). VCF-style: chr4-966042-C-T. GRCh37 (hg19) VCF-style: chr4-959830-C-T.
Other names: short protein forms V489M.
Identifiers: ClinVar variation 680025 (VCV000680025.1), dbSNP rs150003997, ClinGen allele CA2800440.
Genomic context (GRCh38, chr4:966,042, plus strand): 5'-CGGGAGGCAGGCCGCCAACAAACAGGGAGACGTGCGGGGCTACATCCCTGCTCTCTGCCA[C>T]GTAGAACCGCGTCTGGCTCACCTGCCGCACAGACATCTGCAGGGAGAGGGGCGGGGATGC-3'
Protein context (NP_001338.2, residues 479-499): VRQVSQTRFY[Val489Met]AESRDVAPHV

ClinVar aggregate classification (germline): Likely benign (1 of 4 stars; one submission).

Allele frequency attached by ClinVar (database versions not stated): gnomAD exomes 0.00052 and 0.00114; gnomAD 0.00067 and 0.00068; TOPMed 0.00067; ESP Exome Variant Server 0.00085; ExAC 0.00136.
gnomAD v4.1: 911 of 1,603,254 alleles (0.057%); highest among the groups gnomAD compares: Middle Eastern, 0.016%; 7 homozygotes.

Submission:

GeneDx
Classification: Likely benign. Last evaluated: 2018-06-15. Review status: criteria provided, single submitter. Criteria: GeneDx Variant Classification (06012015). Collection method: clinical testing. Allele origin: germline. Affected: yes.
Comment: This variant is considered likely benign or benign based on one or more of the following criteria: it is a conservative change, it occurs at a poorly conserved position in the protein, it is predicted to be benign by multiple in silico algorithms, and/or has population frequency not consistent with disease.